The following is an entry in ClinVar:

NM_024577.4(SH3TC2):c.1654G>C (p.Glu552Gln)

Gene: SH3TC2 (SH3 domain and tetratricopeptide repeats 2; minus strand). Cytogenetic location: 5q32.
Variant type: single nucleotide variant.
Coding change: c.1654G>C on transcript NM_024577.4 (MANE Select); coding-DNA position 1654, G replaced by C.
Protein change: p.Glu552Gln; replaces glutamic acid 552 with glutamine.
Molecular consequence: missense variant.
Genome position (GRCh38, 1-based): chr5:149,028,078, C>G on the plus strand (G>C on the coding strand, the complement: SH3TC2 is on the minus strand). VCF-style: chr5-149028078-C-G. GRCh37 (hg19) VCF-style: chr5-148407641-C-G.
Other names: short protein forms E552Q.
Identifiers: ClinVar variation 543343 (VCV000543343.7), dbSNP rs551953142, ClinGen allele CA361668052.

ClinVar aggregate classification (germline): Uncertain significance. Review status: criteria provided, single submitter (1 of 4 stars). 2 submissions from 2 submitters: Uncertain significance (1). 1 of the submissions does not count toward it. Last evaluated 2022-08-09.

Conditions:
Charcot-Marie-Tooth disease type 4. Also called: Charcot-Marie-Tooth, Type 4; Charcot-Marie-Tooth disease, type IV. Identifiers: Orphanet 64749, MedGen C4082197, MONDO:0018995.
Distal spinal muscular atrophy. Also called: Distal hereditary motor neuropathy; Distal hereditary motor neuronopathy. Identifiers: Orphanet 53739, MedGen C0393541, MONDO:0018894.

gnomAD v4.1: 26 of 1,614,074 alleles (0.0016%); highest among the groups gnomAD compares: Non-Finnish European, 0.0022%; no homozygotes.

Submissions (2):

Labcorp Genetics (formerly Invitae), Labcorp
Classification: Uncertain significance for Charcot-Marie-Tooth disease type 4. Last evaluated: 2022-08-09. Review status: criteria provided, single submitter. Criteria: Invitae Variant Classification Sherloc (09022015). Collection method: clinical testing. Allele origin: germline.
Comment: In summary, the available evidence is currently insufficient to determine the role of this variant in disease. Therefore, it has been classified as a Variant of Uncertain Significance. Advanced modeling of protein sequence and biophysical properties (such as structural, functional, and spatial information, amino acid conservation, physicochemical variation, residue mobility, and thermodynamic stability) performed at Invitae indicates that this missense variant is expected to disrupt SH3TC2 protein function. ClinVar contains an entry for this variant (Variation ID: 543343). This variant has not been reported in the literature in individuals affected with SH3TC2-related conditions. This variant is not present in population databases (gnomAD no frequency). This sequence change replaces glutamic acid, which is acidic and polar, with glutamine, which is neutral and polar, at codon 552 of the SH3TC2 protein (p.Glu552Gln).

Genesis Genome Database
Classification: Uncertain significance for Distal spinal muscular atrophy. Last evaluated: 2019-08-14. Review status: no assertion criteria provided. Collection method: research. Allele origin: germline. Affected: yes. Not counted in ClinVar's aggregate classification.